The following is an entry in ClinVar:

ClinVar aggregate classification (germline): Uncertain significance (1 of 4 stars; one submission).

Submission:

GeneDx
Classification: Uncertain significance. Last evaluated: 2025-06-14. Review status: criteria provided, single submitter. Criteria: GeneDx Variant Classification Process June 2021. Collection method: clinical testing. Allele origin: germline. Affected: yes.
Comment: Not observed at significant frequency in large population cohorts (gnomAD); In silico analysis suggests that this missense variant does not alter protein structure/function; Has not been previously published as pathogenic or benign to our knowledge

NM_001199107.2(TBC1D24):c.758A>G (p.Lys253Arg)

Gene: TBC1D24 (TBC1 domain family member 24; plus strand). Cytogenetic location: 16p13.3.
Variant type: single nucleotide variant.
Coding change: c.758A>G on transcript NM_001199107.2 (MANE Select); coding-DNA position 758, A replaced by G.
Protein change: p.Lys253Arg; replaces lysine 253 with arginine.
Molecular consequence: missense variant.
Genome position (GRCh38, 1-based): chr16:2,496,906, A>G. VCF-style: chr16-2496906-A-G. GRCh37 (hg19) VCF-style: chr16-2546907-A-G.
Other names: c.758A>G, p.Lys253Arg (NM_020705.3); short protein forms K253R.
Identifiers: ClinVar variation 4538578 (VCV004538578.1).
Genomic context (GRCh38, chr16:2,496,906, plus strand): 5'-TGGTGGAGGGCTACAAGGTGCTGTACCGCGTGGCGCTGGCCATCCTCAAGTTCTTCCACA[A>G]GGTGAGGGCCGGGCAGCCGCTGGAGTCGGACAGCGTGAAGCAGGACATCCGCACGTTCGT-3'
Protein context (NP_001186036.1, residues 243-263): VALAILKFFH[Lys253Arg]VRAGQPLESD